The following is an entry in ClinVar:

ClinVar aggregate classification (germline): Uncertain significance (1 of 4 stars; one submission).

Submission:

GeneDx
Classification: Uncertain significance. Last evaluated: 2013-09-10. Review status: criteria provided, single submitter. Criteria: GeneDx Variant Classification (06012015). Collection method: clinical testing. Allele origin: germline. Affected: yes.
Comment: p.Phe370Val (TTT>GTT): c.1108 T>G in exon 9 of the SCN2A gene (NM_021007.2). The Phe370Val missense change has not been published as a mutation, nor has it been reported as a benign polymorphism to our knowledge. It was not observed in approximately 6,500 individuals of European and African American ancestry in the NHLBI Exome Sequencing Project, indicating it is not a common benign variant in these populations. This variant is a conservative substitution of one uncharged, non-polar amino acid for another. However, the variant alters a highly conserved position between the S5 and S6 subunits of the first transmembrane domain, and other missense mutations have been reported in this region in association with epilepsy. In silico analysis predicts this variant is probably damaging to the protein structure/function. Therefore, based on the currently available information, it is unclear whether Phe370Val is a disease-causing mutation or a rare benign variant. The variant is found in INFANT-EPI panel(s).

NM_001040142.2(SCN2A):c.1108T>G (p.Phe370Val)

Gene: SCN2A (sodium voltage-gated channel alpha subunit 2; plus strand). Cytogenetic location: 2q24.3.
Variant type: single nucleotide variant.
Coding change: c.1108T>G on transcript NM_001040142.2 (MANE Select); coding-DNA position 1108, T replaced by G.
Protein change: p.Phe370Val; replaces phenylalanine 370 with valine.
Molecular consequence: missense variant.
Genome position (GRCh38, 1-based): chr2:165,313,693, T>G. VCF-style: chr2-165313693-T-G. GRCh37 (hg19) VCF-style: chr2-166170203-T-G.
Other names: p.F370V:TTT>GTT; c.1108T>G, p.Phe370Val (NM_001040143.2, NM_001371246.1, NM_001371247.1 and 1 more transcripts); short protein forms F370V.
Identifiers: ClinVar variation 207049 (VCV000207049.2), dbSNP rs796053177, ClinGen allele CA318102.